The following is an entry in ClinVar:

ClinVar aggregate classification (germline): Uncertain significance (1 of 4 stars; one submission).

Submission:

Ambry Genetics
Classification: Uncertain significance. Last evaluated: 2023-06-01. Review status: criteria provided, single submitter. Criteria: Ambry Variant Classification Scheme 2023. Collection method: clinical testing. Allele origin: germline.
Comment: The p.S936R variant (also known as c.2808C>G), located in coding exon 25 of the PRKDC gene, results from a C to G substitution at nucleotide position 2808. The serine at codon 936 is replaced by arginine, an amino acid with dissimilar properties. This amino acid position is conserved. In addition, the in silico prediction for this alteration is inconclusive. Since supporting evidence is limited at this time, the clinical significance of this alteration remains unclear.

NM_006904.7(PRKDC):c.2808C>G (p.Ser936Arg)

Gene: PRKDC (protein kinase, DNA-activated, catalytic subunit; minus strand). Cytogenetic location: 8q11.21.
Variant type: single nucleotide variant.
Coding change: c.2808C>G on transcript NM_006904.7 (MANE Select); coding-DNA position 2808, C replaced by G.
Protein change: p.Ser936Arg; replaces serine 936 with arginine.
Molecular consequence: missense variant.
Genome position (GRCh38, 1-based): chr8:47,912,536, G>C on the plus strand (C>G on the coding strand, the complement: PRKDC is on the minus strand). VCF-style: chr8-47912536-G-C. GRCh37 (hg19) VCF-style: chr8-48825096-G-C.
Other names: c.2808C>G, p.Ser936Arg (NM_001081640.2); short protein forms S936R.
Identifiers: ClinVar variation 2560671 (VCV002560671.2), dbSNP rs2551876674, ClinGen allele CA371158920.